The following is an entry in ClinVar:

ClinVar aggregate classification (germline): Likely benign (1 of 4 stars; one submission).

Allele frequency attached by ClinVar (database versions not stated): gnomAD exomes 0.00015; 1000 Genomes Project 0.00020; 1000 Genomes Project 30x 0.00219.

Submission:

CeGaT Center for Human Genetics Tuebingen
Classification: Likely benign. Last evaluated: 2022-11-01. Review status: criteria provided, single submitter. Criteria: CeGaT Center For Human Genetics Tuebingen Variant Classification Criteria Version 2. Collection method: clinical testing. Allele origin: germline. Affected: yes. Observed: 1 variant allele.
Comment: CYP2B6: BP4, BP7

NM_000767.5(CYP2B6):c.1218C>T (p.Asp406=)

Gene: CYP2B6 (cytochrome P450 family 2 subfamily B member 6; plus strand). Cytogenetic location: 19q13.2.
Variant type: single nucleotide variant.
Coding change: c.1218C>T on transcript NM_000767.5 (MANE Select); coding-DNA position 1218, C replaced by T.
Protein change: p.Asp406=; no amino-acid change (aspartic acid 406 retained).
Molecular consequence: synonymous variant.
Genome position (GRCh38, 1-based): chr19:41,012,739, C>T. VCF-style: chr19-41012739-C-T. GRCh37 (hg19) VCF-style: chr19-41518644-C-T.
Identifiers: ClinVar variation 2649920 (VCV002649920.24), dbSNP rs35661880, ClinGen allele CA9455530.
Genomic context (GRCh38, chr19:41,012,739, plus strand): 5'-AGAAGTATTTCTCATCCTGAGCACTGCTCTCCATGACCCACACTACTTTGAAAAACCAGA[C>T]GCCTTCAATCCTGACCACTTTCTGGATGCCAATGGGGCACTGAAAAAGACTGAAGCTTTT-3'
Protein context (NP_000758.1, residues 396-416): LHDPHYFEKP[Asp406=]AFNPDHFLDA